The following is an entry in ClinVar:

ClinVar aggregate classification (germline): Uncertain significance (1 of 4 stars; one submission).

Submission:

GeneDx
Classification: Uncertain significance. Last evaluated: 2024-10-29. Review status: criteria provided, single submitter. Criteria: GeneDx Variant Classification Process June 2021. Collection method: clinical testing. Allele origin: germline. Affected: yes.
Comment: Not observed at significant frequency in large population cohorts (gnomAD); In silico analysis supports that this missense variant has a deleterious effect on protein structure/function; Has not been previously published as pathogenic or benign to our knowledge

NM_001395159.1(UNC79):c.538T>G (p.Ser180Ala)

Gene: UNC79 (unc-79 homolog, NALCN channel complex subunit; plus strand). Cytogenetic location: 14q32.12.
Variant type: single nucleotide variant.
Coding change: c.538T>G on transcript NM_001395159.1 (MANE Select); coding-DNA position 538, T replaced by G.
Protein change: p.Ser180Ala; replaces serine 180 with alanine.
Molecular consequence: missense variant.
Genome position (GRCh38, 1-based): chr14:93,477,647, T>G. VCF-style: chr14-93477647-T-G. GRCh37 (hg19) VCF-style: chr14-93943993-T-G.
Other names: c.538T>G, p.Ser180Ala (NM_001346218.2); c.7T>G, p.Ser3Ala (NM_020818.5); short protein forms S180A, S3A.
Identifiers: ClinVar variation 3897276 (VCV003897276.1).